The following is an entry in ClinVar:

NM_018993.4(RIN2):c.1621C>A (p.Gln541Lys)

Gene: RIN2 (Ras and Rab interactor 2; plus strand). Cytogenetic location: 20p11.23.
Variant type: single nucleotide variant.
Coding change: c.1621C>A on transcript NM_018993.4 (MANE Select); coding-DNA position 1621, C replaced by A.
Protein change: p.Gln541Lys; replaces glutamine 541 with lysine.
Molecular consequence: missense variant.
Genome position (GRCh38, 1-based): chr20:19,975,646, C>A. VCF-style: chr20-19975646-C-A. GRCh37 (hg19) VCF-style: chr20-19956290-C-A.
Other names: c.1768C>A, p.Gln590Lys (NM_001242581.2); c.1003C>A, p.Gln335Lys (NM_001378238.1); c.1621C>A (NM_018993.3); short protein forms Q335K, Q590K, Q541K.
Identifiers: ClinVar variation 1958316 (VCV001958316.3), dbSNP rs939626702, ClinGen allele CA312416943.
Genomic context (GRCh38, chr20:19,975,646, plus strand): 5'-CTTTCCCGGGACAAATGCACCTACTTCGGGTGCTTAGTGCAGGACTACGTGAGCTTCCTG[C>A]AGGAGAACAAGGAGTGCCACGTGTCCAGCACCGACATGCTGCAGACCATCCGGCAGTTCA-3'
Protein context (NP_061866.1, residues 531-551): CLVQDYVSFL[Gln541Lys]ENKECHVSST

ClinVar aggregate classification (germline): Uncertain significance. Review status: criteria provided, multiple submitters, no conflicts (2 of 4 stars). 2 submissions from 2 submitters: Uncertain significance (2). Last evaluated 2024-08-20.

Conditions:
Inborn genetic diseases. Identifiers: MedGen C0950123, MeSH D030342.

Allele frequency attached by ClinVar (database versions not stated): TOPMed below 0.00001; gnomAD exomes 0.00001.
gnomAD v4.1: 10 of 1,613,802 alleles (0.00062%); highest among the groups gnomAD compares: East Asian, 0.0045%; no homozygotes.

Submissions (2):

Ambry Genetics
Classification: Uncertain significance for Inborn genetic diseases. Last evaluated: 2024-08-20. Review status: criteria provided, single submitter. Criteria: Ambry Variant Classification Scheme 2023. Collection method: clinical testing. Allele origin: germline.

Labcorp Genetics (formerly Invitae), Labcorp
Classification: Uncertain significance. Last evaluated: 2022-04-18. Review status: criteria provided, single submitter. Criteria: Invitae Variant Classification Sherloc (09022015). Collection method: clinical testing. Allele origin: germline.
Comment: This sequence change replaces glutamine, which is neutral and polar, with lysine, which is basic and polar, at codon 541 of the RIN2 protein (p.Gln541Lys). The frequency data for this variant in the population databases is considered unreliable, as metrics indicate poor data quality at this position in the gnomAD database. This variant has not been reported in the literature in individuals affected with RIN2-related conditions. Algorithms developed to predict the effect of missense changes on protein structure and function output the following: SIFT: "Tolerated"; PolyPhen-2: "Not Available"; Align-GVGD: "Class C0". The lysine amino acid residue is found in multiple mammalian species, which suggests that this missense change does not adversely affect protein function. In summary, the available evidence is currently insufficient to determine the role of this variant in disease. Therefore, it has been classified as a Variant of Uncertain Significance.